The following is an entry in ClinVar:

NM_000548.5(TSC2):c.1802G>A (p.Ser601Asn)

Gene: TSC2 (TSC complex subunit 2; plus strand). Cytogenetic location: 16p13.3.
Variant type: single nucleotide variant.
Coding change: c.1802G>A on transcript NM_000548.5 (MANE Select); coding-DNA position 1802, G replaced by A.
Protein change: p.Ser601Asn; replaces serine 601 with asparagine.
Molecular consequence: missense variant.
Genome position (GRCh38, 1-based): chr16:2,070,541, G>A. VCF-style: chr16-2070541-G-A. GRCh37 (hg19) VCF-style: chr16-2120542-G-A.
Other names: c.1802G>A, p.Ser601Asn (NM_001077183.3, NM_001114382.3, NM_001363528.2 and 3 more transcripts); c.1691G>A, p.Ser564Asn (NM_001318827.2); c.1655G>A, p.Ser552Asn (NM_001318829.2); c.1202G>A, p.Ser401Asn (NM_001318831.2); c.1835G>A, p.Ser612Asn (NM_001318832.2); short protein forms S552N, S601N, S564N, S401N, S612N.
Identifiers: ClinVar variation 1495032 (VCV001495032.6), dbSNP rs2151281011, ClinGen allele CA394272950.
Genomic context (GRCh38, chr16:2,070,541, plus strand): 5'-GCCACGCCACGCGTGTGTATGAGATGCTGGTCAGCCACATTCAGCTCCACTACAAGCACA[G>A]CTACACCCTGCCAATCGCGAGCAGCATCCGGCTGCAGGTATGGTGGCTGGGGTTGCGCAG-3'
Protein context (NP_000539.2, residues 591-611): VSHIQLHYKH[Ser601Asn]YTLPIASSIR

ClinVar aggregate classification (germline): Uncertain significance (1 of 4 stars; one submission).

Conditions:
Tuberous sclerosis 2 (TSC2). Identifiers: Orphanet 805, MedGen C1860707, MONDO:0013199, OMIM 613254.

gnomAD v4.1: 2 of 1,613,270 alleles (0.00012%); no homozygotes.

Submission:

Labcorp Genetics (formerly Invitae), Labcorp
Classification: Uncertain significance for Tuberous sclerosis 2. Last evaluated: 2023-07-31. Review status: criteria provided, single submitter. Criteria: Invitae Variant Classification Sherloc (09022015). Collection method: clinical testing. Allele origin: germline.
Comment: ClinVar contains an entry for this variant (Variation ID: 1495032). In summary, the available evidence is currently insufficient to determine the role of this variant in disease. Therefore, it has been classified as a Variant of Uncertain Significance. Advanced modeling of protein sequence and biophysical properties (such as structural, functional, and spatial information, amino acid conservation, physicochemical variation, residue mobility, and thermodynamic stability) performed at Invitae indicates that this missense variant is not expected to disrupt TSC2 protein function. This variant has not been reported in the literature in individuals affected with TSC2-related conditions. This variant is not present in population databases (gnomAD no frequency). This sequence change replaces serine, which is neutral and polar, with asparagine, which is neutral and polar, at codon 601 of the TSC2 protein (p.Ser601Asn).